The following is an entry in ClinVar:

ClinVar aggregate classification (germline): Conflicting classifications of pathogenicity. Review status: criteria provided, conflicting classifications (1 of 4 stars). 3 submissions from 3 submitters: Uncertain significance (2); Likely benign (1). Last evaluated 2024-06-17.

Conditions:
Shprintzen-Goldberg syndrome (SGS). Also called: SHPRINTZEN-GOLDBERG CRANIOSYNOSTOSIS SYNDROME; CRANIOSYNOSTOSIS WITH ARACHNODACTYLY AND ABDOMINAL HERNIAS; Marfanoid disorder with craniosynostosis type 1; Marfanoid craniosynostosis syndrome; Shprintzen-Goldberg marfanoid syndrome. Identifiers: Orphanet 2462, MedGen C1321551, MONDO:0008426, OMIM 182212.
Familial thoracic aortic aneurysm and aortic dissection (TAAD). Also called: Thoracic aortic aneurysms and dissections. Identifiers: Orphanet 91387, MedGen C4707243, MONDO:0019625.

Allele frequency attached by ClinVar (database versions not stated): TOPMed 0.00002; gnomAD 0.00002; gnomAD exomes 0.00001 and 0.00002.
gnomAD v4.1: 25 of 1,551,522 alleles (0.0016%); highest among the groups gnomAD compares: East Asian, 0.0024%; no homozygotes.

Submissions (3):

Labcorp Genetics (formerly Invitae), Labcorp
Classification: Likely benign for Shprintzen-Goldberg syndrome. Last evaluated: 2024-06-17. Review status: criteria provided, single submitter. Criteria: Invitae Variant Classification Sherloc (09022015). Collection method: clinical testing. Allele origin: germline.

Ambry Genetics
Classification: Uncertain significance for Familial thoracic aortic aneurysm and aortic dissection. Last evaluated: 2024-05-22. Review status: criteria provided, single submitter. Criteria: Ambry Variant Classification Scheme 2023. Collection method: clinical testing. Allele origin: germline.
Comment: The p.S494T variant (also known as c.1480T>A), located in coding exon 5 of the SKI gene, results from a T to A substitution at nucleotide position 1480. The serine at codon 494 is replaced by threonine, an amino acid with similar properties. This variant was not reported in population based cohorts in the following databases: Database of Single Nucleotide Polymorphisms (dbSNP), NHLBI Exome Sequencing Project (ESP), and 1000 Genomes Project. In the ESP, this variant was not observed in 5960 samples (11920 alleles) with coverage at this position. This amino acid position is well conserved in available vertebrate species. In addition, the in silico prediction for this alteration is inconclusive. Since supporting evidence is limited at this time, the clinical significance of this alteration remains unclear.

GeneDx
Classification: Uncertain significance. Last evaluated: 2016-12-12. Review status: criteria provided, single submitter. Criteria: GeneDx Variant Classification (06012015). Collection method: clinical testing. Allele origin: germline. Affected: yes.
Comment: A variant of uncertain significance has been identified in the SKI gene. The S494T variant has not been published as a pathogenic variant, nor has it been reported as a benign variant to our knowledge. The S494T variant was not observed in approximately 6,000 individuals of European and African American ancestry in the NHLBI Exome Sequencing Project, indicating it is not a common benign variant in these populations. However, although this substitution occurs at a position that is conserved in mammals, S494T is a conservative amino acid substitution, which is not likely to impact secondary protein structure as these residues share similar properties. In silico analysis is inconsistent in its predictions as to whether or not the variant is damaging to the protein structure/function.Therefore, based on the currently available information, it is unclear whether this variant is pathogenic or rare benign.

NM_003036.4(SKI):c.1480T>A (p.Ser494Thr)

Gene: SKI (SKI proto-oncogene; plus strand). Cytogenetic location: 1p36.32.
Variant type: single nucleotide variant.
Coding change: c.1480T>A on transcript NM_003036.4 (MANE Select); coding-DNA position 1480, T replaced by A.
Protein change: p.Ser494Thr; replaces serine 494 with threonine.
Molecular consequence: missense variant.
Genome position (GRCh38, 1-based): chr1:2,304,298, T>A. VCF-style: chr1-2304298-T-A. GRCh37 (hg19) VCF-style: chr1-2235737-T-A.
Other names: short protein forms S494T.
Identifiers: ClinVar variation 373745 (VCV000373745.14), dbSNP rs781304969, ClinGen allele CA16042372.